The following is an entry in ClinVar:

ClinVar aggregate classification (germline): Uncertain significance (1 of 4 stars; one submission).

Conditions:
Cardiovascular phenotype. Identifiers: MedGen CN230736.

gnomAD v4.1: 1 of 1,614,162 alleles (0.000062%); no homozygotes.

Submission:

Ambry Genetics
Classification: Uncertain significance for Cardiovascular phenotype. Last evaluated: 2023-02-12. Review status: criteria provided, single submitter. Criteria: Ambry Variant Classification Scheme 2023. Collection method: clinical testing. Allele origin: germline.
Comment: The p.L2152M variant (also known as c.6454C>A), located in coding exon 48 of the ABCA1 gene, results from a C to A substitution at nucleotide position 6454. The leucine at codon 2152 is replaced by methionine, an amino acid with highly similar properties. This amino acid position is conserved. In addition, the in silico prediction for this alteration is inconclusive. Since supporting evidence is limited at this time, the clinical significance of this alteration remains unclear.

NM_005502.4(ABCA1):c.6454C>A (p.Leu2152Met)

Genes: NIPSNAP3B (nipsnap homolog 3B; plus strand), ABCA1 (ATP binding cassette subfamily A member 1; minus strand). Cytogenetic location: 9q31.1.
Variant type: single nucleotide variant.
Coding change: c.6454C>A on transcript NM_005502.4 (MANE Select); coding-DNA position 6454, C replaced by A.
Protein change: p.Leu2152Met; replaces leucine 2152 with methionine.
Molecular consequence: missense variant.
Genome position (GRCh38, 1-based): chr9:104,785,587, G>T on the plus strand (C>A on the coding strand, the complement: ABCA1 is on the minus strand). VCF-style: chr9-104785587-G-T. GRCh37 (hg19) VCF-style: chr9-107547868-G-T.
Other names: short protein forms L2152M.
Identifiers: ClinVar variation 2447508 (VCV002447508.2), dbSNP rs2538029373, ClinGen allele CA374311638.